The following is an entry in ClinVar:

NM_001171613.2(PREPL):c.380T>C (p.Val127Ala)

Gene: PREPL (prolyl endopeptidase like; minus strand). Cytogenetic location: 2p21.
Variant type: single nucleotide variant.
Coding change: c.380T>C on transcript NM_001171613.2 (MANE Select); coding-DNA position 380, T replaced by C.
Protein change: p.Val127Ala; replaces valine 127 with alanine.
Molecular consequence: missense variant.
Genome position (GRCh38, 1-based): chr2:44,342,522, A>G on the plus strand (T>C on the coding strand, the complement: PREPL is on the minus strand). VCF-style: chr2-44342522-A-G. GRCh37 (hg19) VCF-style: chr2-44569661-A-G.
Other names: c.647T>C, p.Val216Ala (NM_001042385.2, NM_001042386.2, NM_001171603.1 and 4 more transcripts); c.380T>C, p.Val127Ala (NM_001171617.1, NM_001374277.1); short protein forms V216A, V127A.
Identifiers: ClinVar variation 1366713 (VCV001366713.8), dbSNP rs2103969323, ClinGen allele CA346692936.

ClinVar aggregate classification (germline): Uncertain significance (1 of 4 stars; one submission).

Conditions:
Myasthenic syndrome, congenital, 22 (CMS22). Also called: PREPL DEFICIENCY. Identifiers: MedGen C4479088, MONDO:0044299, OMIM 616224.

gnomAD v4.1: 8 of 1,611,480 alleles (0.0005%); highest among the groups gnomAD compares: Non-Finnish European, 0.00068%; no homozygotes.

Submission:

Labcorp Genetics (formerly Invitae), Labcorp
Classification: Uncertain significance for Myasthenic syndrome, congenital, 22. Last evaluated: 2021-07-13. Review status: criteria provided, single submitter. Criteria: Invitae Variant Classification Sherloc (09022015). Collection method: clinical testing. Allele origin: germline.
Comment: This sequence change replaces valine with alanine at codon 216 of the PREPL protein (p.Val216Ala). The valine residue is highly conserved and there is a small physicochemical difference between valine and alanine. This variant is not present in population databases (ExAC no frequency). This variant has not been reported in the literature in individuals affected with PREPL-related conditions. Algorithms developed to predict the effect of missense changes on protein structure and function (SIFT, PolyPhen-2, Align-GVGD) all suggest that this variant is likely to be disruptive. In summary, the available evidence is currently insufficient to determine the role of this variant in disease. Therefore, it has been classified as a Variant of Uncertain Significance.